The following is an entry in ClinVar:

NM_000400.4(ERCC2):c.1804G>A (p.Gly602Ser)

Gene: ERCC2 (ERCC excision repair 2, TFIIH core complex helicase subunit; minus strand). Cytogenetic location: 19q13.32.
Variant type: single nucleotide variant.
Coding change: c.1804G>A on transcript NM_000400.4 (MANE Select); coding-DNA position 1804, G replaced by A.
Protein change: p.Gly602Ser; replaces glycine 602 with serine.
Molecular consequence: missense variant.
Genome position (GRCh38, 1-based): chr19:45,353,110, C>T on the plus strand (G>A on the coding strand, the complement: ERCC2 is on the minus strand). VCF-style: chr19-45353110-C-T. GRCh37 (hg19) VCF-style: chr19-45856368-C-T.
Other names: short protein forms G602S.
Identifiers: ClinVar variation 3276289 (VCV003276289.1).

ClinVar aggregate classification (germline): Uncertain significance (1 of 4 stars; one submission).

Conditions:
Inborn genetic diseases. Identifiers: MedGen C0950123, MeSH D030342.

Submission:

Ambry Genetics
Classification: Uncertain significance for Inborn genetic diseases. Last evaluated: 2024-06-17. Review status: criteria provided, single submitter. Criteria: Ambry Variant Classification Scheme 2023. Collection method: clinical testing. Allele origin: germline.
Comment: The p.G602S variant (also known as c.1804G>A), located in coding exon 19 of the ERCC2 gene, results from a G to A substitution at nucleotide position 1804. The glycine at codon 602 is replaced by serine, an amino acid with similar properties. This amino acid position is conserved. In addition, this alteration is predicted to be deleterious by in silico analysis. Based on the available evidence, the clinical significance of this variant remains unclear.